The following is an entry in ClinVar:

ClinVar aggregate classification (germline): Likely benign. Review status: criteria provided, multiple submitters, no conflicts (2 of 4 stars). 2 submissions from 2 submitters: Likely benign (2). Last evaluated 2025-12-19.

Conditions:
Dilated cardiomyopathy 1G (CMD1G). Identifiers: Orphanet 154, MedGen C1858763, MONDO:0011400, OMIM 604145.
Autosomal recessive limb-girdle muscular dystrophy type 2J (LGMDR10). Also called: Limb-girdle muscular dystrophy, type 2J; MUSCULAR DYSTROPHY, LIMB-GIRDLE, AUTOSOMAL RECESSIVE 10. Identifiers: Orphanet 140922, MedGen C1837342, MONDO:0012127, OMIM 608807.

Allele frequency attached by ClinVar (database versions not stated): TOPMed 0.00007; ESP Exome Variant Server 0.00008; gnomAD 0.00011.
gnomAD v4.1: 33 of 1,612,990 alleles (0.002%); highest among the groups gnomAD compares: African/African-American, 0.033%; no homozygotes.

Submissions (2):

Labcorp Genetics (formerly Invitae), Labcorp
Classification: Likely benign for Dilated cardiomyopathy 1G; Autosomal recessive limb-girdle muscular dystrophy type 2J. Last evaluated: 2025-12-19. Review status: criteria provided, single submitter. Criteria: Invitae Variant Classification Sherloc (09022015). Collection method: clinical testing. Allele origin: germline.

GeneDx
Classification: Likely benign. Last evaluated: 2017-01-19. Review status: criteria provided, single submitter. Criteria: GeneDx Variant Classification (06012015). Collection method: clinical testing. Allele origin: germline. Affected: yes.
Comment: This variant is considered likely benign or benign based on one or more of the following criteria: it is a conservative change, it occurs at a poorly conserved position in the protein, it is predicted to be benign by multiple in silico algorithms, and/or has population frequency not consistent with disease.

NM_001267550.2(TTN):c.17478C>T (p.Thr5826=)

Genes: TTN (titin; minus strand), LOC126806431 (CDK7 strongly-dependent group 2 enhancer GRCh37_chr2:179595719-179596918; plus strand). Cytogenetic location: 2q31.2.
Variant type: single nucleotide variant.
Coding change: c.17478C>T on transcript NM_001267550.2 (MANE Select); coding-DNA position 17478, C replaced by T.
Protein change: p.Thr5826=; no amino-acid change (threonine 5826 retained).
Molecular consequence: synonymous variant. On other transcripts: intron variant (3).
Genome position (GRCh38, 1-based): chr2:178,731,187, G>A on the plus strand (C>T on the coding strand, the complement: TTN is on the minus strand). VCF-style: chr2-178731187-G-A. GRCh37 (hg19) VCF-style: chr2-179595914-G-A.
Other names: c.16527C>T, p.Thr5509= (NM_001256850.1); c.13746C>T, p.Thr4582= (NM_133378.4); c.13282+6895C>T (NM_003319.4); c.13858+6895C>T (NM_133437.4); c.13657+6895C>T (NM_133432.3).
Identifiers: ClinVar variation 506849 (VCV000506849.12), dbSNP rs376968974, ClinGen allele CA60979093.